The following is an entry in ClinVar:

ClinVar aggregate classification (germline): Likely benign (0 of 4 stars; one submission).

Conditions:
CD96-related disorder. Also called: CD96-related condition.

Allele frequency attached by ClinVar (database versions not stated): TOPMed 0.00003; ESP Exome Variant Server 0.00008; gnomAD 0.00009; ExAC 0.00010; 1000 Genomes Project 30x 0.00016; 1000 Genomes Project 0.00020.
gnomAD v4.1: 124 of 1,536,612 alleles (0.0081%); highest among the groups gnomAD compares: South Asian, 0.027%; 2 homozygotes.

Submission:

PreventionGenetics, part of Exact Sciences
Classification: Likely benign for CD96-related condition. Last evaluated: 2019-05-13. Review status: no assertion criteria provided. Collection method: clinical testing. Allele origin: germline.
Comment: This variant is classified as likely benign based on ACMG/AMP sequence variant interpretation guidelines (Richards et al. 2015 PMID: 25741868, with internal and published modifications).

NM_005816.5(CD96):c.*5G>A

Gene: CD96 (CD96 molecule; plus strand). Cytogenetic location: 3q13.2.
Variant type: single nucleotide variant.
Coding change: c.*5G>A on transcript NM_005816.5 (MANE Select); 5 bases downstream of the stop codon, G replaced by A.
Molecular consequence: 3 prime UTR variant. On other transcripts: non-coding transcript variant (1).
Genome position (GRCh38, 1-based): chr3:111,649,811, G>A. VCF-style: chr3-111649811-G-A. GRCh37 (hg19) VCF-style: chr3-111368658-G-A.
Other names: c.*5G>A (NM_001410800.1, NM_198196.3).
Identifiers: ClinVar variation 3042022 (VCV003042022.2), dbSNP rs201367770, ClinGen allele CA2534898.
Genomic context (GRCh38, chr3:111,649,811, plus strand): 5'-GCATTCAAGAGCCCAACGAAAGTGATCTGCCTTATCATGAGATGGAGACCCTCTAGTCTC[G>A]TGAGACTTTGCCCCATGGCAGAACTCTGCTGGAATCCTATTGAGAAGGTAGACATTGTGC-3'